The following is an entry in ClinVar:

ClinVar aggregate classification (germline): Conflicting classifications of pathogenicity. Review status: criteria provided, conflicting classifications (1 of 4 stars). 5 submissions from 4 submitters: Uncertain significance (2); Likely benign (3). Last evaluated 2026-01-03.

Conditions:
Cardiovascular phenotype. Identifiers: MedGen CN230736.
Naxos disease (NXD). Also called: KERATOSIS PALMOPLANTARIS WITH ARRHYTHMOGENIC CARDIOMYOPATHY; MAL DE NAXOS; PALMOPLANTAR KERATODERMA WITH ARRHYTHMOGENIC RIGHT VENTRICULAR CARDIOMYOPATHY AND WOOLLY HAIR; WOOLLY HAIR, PALMOPLANTAR KERATODERMA, AND CARDIAC ABNORMALITIES; CARDIOMYOPATHY, ARRHYTHMOGENIC RIGHT VENTRICULAR, WITH SKIN, HAIR, AND NAIL ABNORMALITIES. Identifiers: Orphanet 34217, MedGen C1832600, MONDO:0011017, OMIM 601214.
Arrhythmogenic right ventricular dysplasia 12. Also called: ARRHYTHMOGENIC RIGHT VENTRICULAR DYSPLASIA, FAMILIAL, 12. Identifiers: MedGen C1969081, MONDO:0012684, OMIM 611528.

Allele frequency attached by ClinVar (database versions not stated): gnomAD 0.00001 and 0.00002; gnomAD exomes 0.00001 and 0.00003; TOPMed 0.00001; ExAC 0.00003.
gnomAD v4.1: 20 of 1,613,186 alleles (0.0012%); highest among the groups gnomAD compares: South Asian, 0.0088%; no homozygotes.

Submissions (5):

Labcorp Genetics (formerly Invitae), Labcorp
Classification: Likely benign for Arrhythmogenic right ventricular dysplasia 12; Naxos disease. Last evaluated: 2026-01-03. Review status: criteria provided, single submitter. Criteria: Invitae Variant Classification Sherloc (09022015). Collection method: clinical testing. Allele origin: germline.

Ambry Genetics
Classification: Likely benign for Cardiovascular phenotype. Last evaluated: 2023-05-15. Review status: criteria provided, single submitter. Criteria: Ambry Variant Classification Scheme 2023. Collection method: clinical testing. Allele origin: germline.

Illumina Laboratory Services, Illumina
Classification: Uncertain significance for Arrhythmogenic right ventricular dysplasia 12. Last evaluated: 2018-01-12. Review status: criteria provided, single submitter. Criteria: ICSL Variant Classification Criteria 13 December 2019. Collection method: clinical testing. Allele origin: germline.

Illumina Laboratory Services, Illumina
Classification: Uncertain significance for Naxos disease. Last evaluated: 2018-01-12. Review status: criteria provided, single submitter. Criteria: ICSL Variant Classification Criteria 13 December 2019. Collection method: clinical testing. Allele origin: germline.

GeneDx
Classification: Likely benign. Last evaluated: 2017-09-13. Review status: criteria provided, single submitter. Criteria: GeneDx Variant Classification (06012015). Collection method: clinical testing. Allele origin: germline. Affected: yes.
Comment: This variant is considered likely benign or benign based on one or more of the following criteria: it is a conservative change, it occurs at a poorly conserved position in the protein, it is predicted to be benign by multiple in silico algorithms, and/or has population frequency not consistent with disease.

NM_002230.4(JUP):c.1854C>T (p.Ala618=)

Gene: JUP (junction plakoglobin; minus strand). Cytogenetic location: 17q21.2.
Variant type: single nucleotide variant.
Coding change: c.1854C>T on transcript NM_002230.4 (MANE Select); coding-DNA position 1854, C replaced by T.
Protein change: p.Ala618=; no amino-acid change (alanine 618 retained).
Molecular consequence: synonymous variant.
Genome position (GRCh38, 1-based): chr17:41,757,704, G>A on the plus strand (C>T on the coding strand, the complement: JUP is on the minus strand). VCF-style: chr17-41757704-G-A. GRCh37 (hg19) VCF-style: chr17-39913956-G-A.
Other names: c.1854C>T, p.Ala618= (NM_001352773.2, NM_001352774.2, NM_001352775.2 and 3 more transcripts).
Identifiers: ClinVar variation 323166 (VCV000323166.15), dbSNP rs782176670, ClinGen allele CA8565099.